The following is an entry in ClinVar:

ClinVar aggregate classification (germline): Uncertain significance (1 of 4 stars; one submission).

Conditions:
Hereditary cancer-predisposing syndrome. Also called: Neoplastic Syndromes, Hereditary; Tumor predisposition; Hereditary Cancer Syndrome; Hereditary neoplastic syndrome. Identifiers: Orphanet 140162, MedGen C0027672, MeSH D009386, MONDO:0015356.

Submission:

Ambry Genetics
Classification: Uncertain significance for Hereditary cancer-predisposing syndrome. Last evaluated: 2026-03-06. Review status: criteria provided, single submitter. Criteria: Ambry Variant Classification Scheme 2023. Collection method: clinical testing. Allele origin: germline.
Comment: The c.1708_1709insL1 results from the insertion of a LINE-1 element in coding exon 10 of the ATM gene. Mobile element insertions contribute to pathogenicity by either disrupting the coding sequence or inducing aberrant splicing (Belancio VP et al. Semin. Cancer Biol. 2010 Aug;20:200-10; Deininger P et al. Genome Biol. 2011 Dec;12:236; van der Klift HM Hum Mutat. 2012 Jul;33(7):1051-5); however, direct evidence is insufficient at this time (Ambry internal data). Based on the available evidence, the clinical significance of this variant remains unclear.

NM_000051.3:c.1708_1709insL1

Gene: ATM (ATM serine/threonine kinase; plus strand).
Variant type: Insertion.
Identifiers: ClinVar variation 4827596 (VCV004827596.1).